The following is an entry in ClinVar:

NM_006164.5(NFE2L2):c.1193A>C (p.His398Pro)

Gene: NFE2L2 (NFE2 like bZIP transcription factor 2; minus strand). Cytogenetic location: 2q31.2.
Variant type: single nucleotide variant.
Coding change: c.1193A>C on transcript NM_006164.5 (MANE Select); coding-DNA position 1193, A replaced by C.
Protein change: p.His398Pro; replaces histidine 398 with proline.
Molecular consequence: missense variant.
Genome position (GRCh38, 1-based): chr2:177,231,410, T>G on the plus strand (A>C on the coding strand, the complement: NFE2L2 is on the minus strand). VCF-style: chr2-177231410-T-G. GRCh37 (hg19) VCF-style: chr2-178096138-T-G.
Other names: c.1145A>C, p.His382Pro (NM_001145412.3, NM_001313900.1, NM_001313901.1); c.1124A>C, p.His375Pro (NM_001145413.3); c.1103A>C, p.His368Pro (NM_001313902.2); c.974A>C, p.His325Pro (NM_001313903.2); c.893A>C, p.His298Pro (NM_001313904.1); short protein forms H298P, H325P, H368P, H375P, H382P, H398P.
Identifiers: ClinVar variation 2637750 (VCV002637750.1), dbSNP rs751244829, ClinGen allele CA1979727.

ClinVar aggregate classification (germline): Uncertain significance (1 of 4 stars; one submission).

Allele frequency attached by ClinVar (database versions not stated): gnomAD exomes below 0.00001; TOPMed below 0.00001; ExAC 0.00002.
gnomAD v4.1: 5 of 1,614,268 alleles (0.00031%); highest among the groups gnomAD compares: Admixed American, 0.0067%; no homozygotes.

Submission:

Women's Health and Genetics/Laboratory Corporation of America, LabCorp
Classification: Uncertain significance. Last evaluated: 2023-10-16. Review status: criteria provided, single submitter. Criteria: LabCorp Variant Classification Summary - May 2015. Collection method: clinical testing. Allele origin: germline.
Comment: Variant summary: NFE2L2 c.1193A>C (p.His398Pro) results in a non-conservative amino acid change in the encoded protein sequence. Four of five in-silico tools predict a benign effect of the variant on protein function. The variant allele was found at a frequency of 1.6e-05 in 249516 control chromosomes. The available data on variant occurrences in the general population are insufficient to allow any conclusion about variant significance. To our knowledge, no occurrence of c.1193A>C in individuals affected with Immunodeficiency, Developmental Delay, And Hypohomocysteinemia and no experimental evidence demonstrating its impact on protein function have been reported. No submitters have cited clinical-significance assessments for this variant to ClinVar after 2014. Based on the evidence outlined above, the variant was classified as uncertain significance.